The following is an entry in ClinVar:

NM_003872.3(NRP2):c.573C>T (p.Phe191=)

Gene: NRP2 (neuropilin 2; plus strand). Cytogenetic location: 2q33.3.
Variant type: single nucleotide variant.
Coding change: c.573C>T on transcript NM_003872.3 (MANE Select); coding-DNA position 573, C replaced by T.
Protein change: p.Phe191=; no amino-acid change (phenylalanine 191 retained).
Molecular consequence: synonymous variant.
Genome position (GRCh38, 1-based): chr2:205,722,617, C>T. VCF-style: chr2-205722617-C-T. GRCh37 (hg19) VCF-style: chr2-206587341-C-T.
Other names: c.573C>T, p.Phe191= (NM_018534.4, NM_201264.2, NM_201266.2 and 2 more transcripts).
Identifiers: ClinVar variation 4988356 (VCV004988356.1).

ClinVar aggregate classification (germline): Likely benign (1 of 4 stars; one submission).

Conditions:
NRP2-related disorder. Also called: NRP2-related condition.

gnomAD v4.1: 4 of 1,614,210 alleles (0.00025%); highest among the groups gnomAD compares: Non-Finnish European, 0.00034%; no homozygotes.

Submission:

PreventionGenetics, part of Exact Sciences
Classification: Likely benign for NRP2-related condition. Last evaluated: 2025-01-31. Review status: criteria provided, single submitter. Criteria: ACMG Guidelines, 2015. Collection method: clinical testing. Allele origin: germline.
Comment: This variant is classified as likely benign based on ACMG/AMP sequence variant interpretation guidelines (Richards et al. 2015 PMID: 25741868, with internal and published modifications).